The following is an entry in ClinVar:

ClinVar aggregate classification (germline): Uncertain significance. Review status: criteria provided, multiple submitters, no conflicts (2 of 4 stars). 2 submissions from 2 submitters: Uncertain significance (2). Last evaluated 2025-09-05.

Conditions:
Inborn genetic diseases. Identifiers: MedGen C0950123, MeSH D030342.

Allele frequency attached by ClinVar (database versions not stated): ExAC 0.00003; TOPMed 0.00008; gnomAD 0.00009; ESP Exome Variant Server 0.00023.
gnomAD v4.1: 27 of 1,605,984 alleles (0.0017%); highest among the groups gnomAD compares: African/African-American, 0.029%; no homozygotes.

Submissions (2):

Ambry Genetics
Classification: Uncertain significance for Inborn genetic diseases. Last evaluated: 2025-09-05. Review status: criteria provided, single submitter. Criteria: Ambry Variant Classification Scheme 2023. Collection method: clinical testing. Allele origin: germline.

Women's Health and Genetics/Laboratory Corporation of America, LabCorp
Classification: Uncertain significance. Last evaluated: 2023-11-07. Review status: criteria provided, single submitter. Criteria: LabCorp Variant Classification Summary - May 2015. Collection method: clinical testing. Allele origin: germline.
Comment: Variant summary: CHD5 c.4336G>T (p.Ala1446Ser) results in a conservative amino acid change in the encoded protein sequence. Three of five in-silico tools predict a damaging effect of the variant on protein function. The variant allele was found at a frequency of 1.7e-05 in 235056 control chromosomes (gnomAD). The available data on variant occurrences in the general population are insufficient to allow any conclusion about variant significance. To our knowledge, no occurrence of c.4336G>T in individuals affected with Parenti-Mignot Neurodevelopmental Syndrome and no experimental evidence demonstrating its impact on protein function have been reported. No submitters have cited clinical-significance assessments for this variant to ClinVar after 2014. Based on the evidence outlined above, the variant was classified as uncertain significance.

NM_015557.3(CHD5):c.4336G>T (p.Ala1446Ser)

Gene: CHD5 (chromodomain helicase DNA binding protein 5; minus strand). Cytogenetic location: 1p36.31.
Variant type: single nucleotide variant.
Coding change: c.4336G>T on transcript NM_015557.3 (MANE Select); coding-DNA position 4336, G replaced by T.
Protein change: p.Ala1446Ser; replaces alanine 1446 with serine.
Molecular consequence: missense variant.
Genome position (GRCh38, 1-based): chr1:6,125,158, C>A on the plus strand (G>T on the coding strand, the complement: CHD5 is on the minus strand). VCF-style: chr1-6125158-C-A. GRCh37 (hg19) VCF-style: chr1-6185218-C-A.
Other names: c.4336G>T (NM_015557.2); short protein forms A1446S.
Identifiers: ClinVar variation 2682374 (VCV002682374.2), dbSNP rs143075819, ClinGen allele CA556205.